The following is an entry in ClinVar:

ClinVar aggregate classification (germline): Likely benign. Review status: reviewed by expert panel (3 of 4 stars). 4 submissions from 4 submitters: Likely benign (1). 3 of the submissions do not count toward it. Last evaluated 2017-06-29.

Conditions:
Hereditary cancer-predisposing syndrome. Also called: Hereditary Cancer Syndrome; Neoplastic Syndromes, Hereditary; Tumor predisposition; Hereditary neoplastic syndrome. Identifiers: Orphanet 140162, MedGen C0027672, MeSH D009386, MONDO:0015356.
Breast-ovarian cancer, familial, susceptibility to, 2 (BROVCA2). Also called: BRCA2 Hereditary Breast and Ovarian Cancer. Identifiers: Orphanet 145, MedGen C2675520, MONDO:0012933, OMIM 612555. Disease mechanism: loss of function.
Hereditary breast ovarian cancer syndrome. Also called: Hereditary breast and/or ovarian cancer syndrome; BRCA1- and BRCA2-Associated Hereditary Breast and Ovarian Cancer; Hereditary breast and ovarian cancer syndrome (HBOC); Hereditary breast and ovarian cancer; Hereditary breast and ovarian cancer syndrome; Breast and ovarian cancer. Identifiers: Orphanet 145, MedGen C0677776, MeSH D061325, MONDO:0003582. Disease mechanism: loss of function.

Allele frequency attached by ClinVar (database versions not stated): gnomAD exomes below 0.00001.
gnomAD v4.1: 3 of 1,613,778 alleles (0.00019%); highest among the groups gnomAD compares: Non-Finnish European, 0.00025%; no homozygotes.

Submissions (4):

Evidence-based Network for the Interpretation of Germline Mutant Alleles (ENIGMA)
Classification: Likely benign for Breast-ovarian cancer, familial, susceptibility to, 2. Last evaluated: 2017-06-29. Review status: reviewed by expert panel. Criteria: ENIGMA BRCA1/2 Classification Criteria (2017-06-29). Collection method: curation. Allele origin: germline.
Comment: Synonymous substitution variant, with low bioinformatic likelihood to result in a splicing aberration (Splicing prior probability 0.02).

Labcorp Genetics (formerly Invitae), Labcorp
Classification: Likely benign for Hereditary breast ovarian cancer syndrome. Last evaluated: 2026-01-04. Review status: criteria provided, single submitter. Criteria: Invitae Variant Classification Sherloc (09022015). Collection method: clinical testing. Allele origin: germline. Not counted in ClinVar's aggregate classification.

Color Diagnostics, LLC DBA Color Health
Classification: Likely benign for Hereditary cancer-predisposing syndrome. Last evaluated: 2025-07-28. Review status: criteria provided, single submitter. Criteria: ACMG Guidelines, 2015. Collection method: clinical testing. Allele origin: germline. Not counted in ClinVar's aggregate classification.

Ambry Genetics
Classification: Likely benign for Hereditary cancer-predisposing syndrome. Last evaluated: 2015-01-07. Review status: criteria provided, single submitter. Criteria: Ambry Variant Classification Scheme 2023. Collection method: clinical testing. Allele origin: germline. Not counted in ClinVar's aggregate classification.

NM_000059.4(BRCA2):c.6120A>C (p.Ile2040=)

Gene: BRCA2 (BRCA2 DNA repair associated; plus strand). Cytogenetic location: 13q13.1.
Variant type: single nucleotide variant.
Coding change: c.6120A>C on transcript NM_000059.4 (MANE Select); coding-DNA position 6120, A replaced by C.
Protein change: p.Ile2040=; no amino-acid change (isoleucine 2040 retained).
Molecular consequence: synonymous variant.
Genome position (GRCh38, 1-based): chr13:32,340,475, A>C. VCF-style: chr13-32340475-A-C. GRCh37 (hg19) VCF-style: chr13-32914612-A-C.
Identifiers: ClinVar variation 229875 (VCV000229875.12), dbSNP rs587781539, ClinGen allele CA10579680.